The following is an entry in ClinVar:

ClinVar aggregate classification (germline): Uncertain significance. Review status: criteria provided, single submitter (1 of 4 stars). 2 submissions from 2 submitters: Uncertain significance (1). 1 of the submissions does not count toward it. Last evaluated 2025-02-09.

Conditions:
Inborn genetic diseases. Identifiers: MedGen C0950123, MeSH D030342.
SEMA3A-related disorder. Also called: SEMA3A-related condition.

gnomAD v4.1: 40 of 1,613,484 alleles (0.0025%); highest among the groups gnomAD compares: African/African-American, 0.004%; no homozygotes.

Submissions (2):

Ambry Genetics
Classification: Uncertain significance for Inborn genetic diseases. Last evaluated: 2025-02-09. Review status: criteria provided, single submitter. Criteria: Ambry Variant Classification Scheme 2023. Collection method: clinical testing. Allele origin: germline.

PreventionGenetics, part of Exact Sciences
Classification: Uncertain significance for SEMA3A-related condition. Last evaluated: 2024-05-04. Review status: no assertion criteria provided. Collection method: clinical testing. Allele origin: germline. Not counted in ClinVar's aggregate classification.
Comment: The SEMA3A c.1991C>G variant is predicted to result in the amino acid substitution p.Thr664Ser. To our knowledge, this variant has not been reported in the literature. This variant is reported in 0.0040% of alleles in individuals of European (Finnish) descent in gnomAD. At this time, the clinical significance of this variant is uncertain due to the absence of conclusive functional and genetic evidence.

NM_006080.3(SEMA3A):c.1991C>G (p.Thr664Ser)

Gene: SEMA3A (semaphorin 3A; minus strand). Cytogenetic location: 7q21.11.
Variant type: single nucleotide variant.
Coding change: c.1991C>G on transcript NM_006080.3 (MANE Select); coding-DNA position 1991, C replaced by G.
Protein change: p.Thr664Ser; replaces threonine 664 with serine.
Molecular consequence: missense variant.
Genome position (GRCh38, 1-based): chr7:83,961,696, G>C on the plus strand (C>G on the coding strand, the complement: SEMA3A is on the minus strand). VCF-style: chr7-83961696-G-C. GRCh37 (hg19) VCF-style: chr7-83591012-G-C.
Other names: short protein forms T664S.
Identifiers: ClinVar variation 3351559 (VCV003351559.2).